The following is an entry in ClinVar:

NM_005359.6(SMAD4):c.1108G>A (p.Val370Ile)

Gene: SMAD4 (SMAD family member 4; plus strand). Cytogenetic location: 18q21.2.
Variant type: single nucleotide variant.
Coding change: c.1108G>A on transcript NM_005359.6 (MANE Select); coding-DNA position 1108, G replaced by A.
Protein change: p.Val370Ile; replaces valine 370 with isoleucine.
Molecular consequence: missense variant. On other transcripts: non-coding transcript variant (2).
Genome position (GRCh38, 1-based): chr18:51,065,575, G>A. VCF-style: chr18-51065575-G-A. GRCh37 (hg19) VCF-style: chr18-48591945-G-A.
Other names: c.1108G>A, p.Val370Ile (NM_001407041.1, NM_001407042.1, NM_001407043.1); short protein forms V370I.
Identifiers: ClinVar variation 3365257 (VCV003365257.2).

ClinVar aggregate classification (germline): Uncertain significance (1 of 4 stars; one submission).

Submission:

GeneDx
Classification: Uncertain significance. Last evaluated: 2025-03-03. Review status: criteria provided, single submitter. Criteria: GeneDx Variant Classification Process June 2021. Collection method: clinical testing. Allele origin: germline.
Comment: Not observed at significant frequency in large population cohorts (gnomAD); In silico analysis supports that this missense variant does not alter protein structure/function; Has not been previously published as pathogenic or benign to our knowledge; This variant is associated with the following publications: (PMID: 17873119, 18823382, 15235019)